The following is an entry in ClinVar:

NM_000054.7(AVPR2):c.911-1G>A

Gene: AVPR2 (arginine vasopressin receptor 2; plus strand). Cytogenetic location: Xq28.
Variant type: single nucleotide variant.
Coding change: c.911-1G>A on transcript NM_000054.7 (MANE Select); the canonical splice acceptor site of the intron before coding-DNA position 911, G replaced by A.
Molecular consequence: splice acceptor variant. On other transcripts: 3 prime UTR variant (1).
Genome position (GRCh38, 1-based): chrX:153,906,522, G>A. VCF-style: chrX-153906522-G-A. GRCh37 (hg19) VCF-style: chrX-153171976-G-A.
Other names: c.*86G>A (NM_001146151.3).
Identifiers: ClinVar variation 1994770 (VCV001994770.4), dbSNP rs2521161385, ClinGen allele CA415110455.

ClinVar aggregate classification (germline): Pathogenic (1 of 4 stars; one submission).

Submission:

Labcorp Genetics (formerly Invitae), Labcorp
Classification: Pathogenic. Last evaluated: 2023-12-21. Review status: criteria provided, single submitter. Criteria: Invitae Variant Classification Sherloc (09022015). Collection method: clinical testing. Allele origin: germline.
Comment: This sequence change affects an acceptor splice site in intron 2 of the AVPR2 gene. While this variant is not anticipated to result in nonsense mediated decay, it likely alters RNA splicing and results in a disrupted protein product. This variant is not present in population databases (gnomAD no frequency). Disruption of this splice site has been observed in individual(s) with nephrogenic diabetes insipidus (PMID: 7913579, 11095010, 34101133). In at least one individual the variant was observed to be de novo. It has also been observed to segregate with disease in related individuals. ClinVar contains an entry for this variant (Variation ID: 1994770). Variants that disrupt the consensus splice site are a relatively common cause of aberrant splicing (PMID: 17576681, 9536098). Algorithms developed to predict the effect of sequence changes on RNA splicing suggest that this variant may disrupt the consensus splice site. For these reasons, this variant has been classified as Pathogenic.

Literature cited by the submitters: PubMed 7913579; PubMed 11095010; PubMed 34101133; PubMed 17576681; PubMed 9536098.